The following is an entry in ClinVar:

ClinVar aggregate classification (germline): Uncertain significance (1 of 4 stars; one submission).

Submission:

Labcorp Genetics (formerly Invitae), Labcorp
Classification: Uncertain significance. Last evaluated: 2022-08-22. Review status: criteria provided, single submitter. Criteria: Invitae Variant Classification Sherloc (09022015). Collection method: clinical testing. Allele origin: germline.
Comment: In summary, the available evidence is currently insufficient to determine the role of this variant in disease. Therefore, it has been classified as a Variant of Uncertain Significance. Algorithms developed to predict the effect of missense changes on protein structure and function are either unavailable or do not agree on the potential impact of this missense change (SIFT: "Tolerated"; PolyPhen-2: "Not Available"; Align-GVGD: "Class C0"). This variant has not been reported in the literature in individuals affected with EXOSC9-related conditions. This variant is not present in population databases (gnomAD no frequency). This sequence change replaces arginine, which is basic and polar, with threonine, which is neutral and polar, at codon 453 of the EXOSC9 protein (p.Arg453Thr).

NM_005033.3(EXOSC9):c.1307G>C (p.Arg436Thr)

Genes: EXOSC9 (exosome component 9; plus strand), CCNA2 (cyclin A2; minus strand). Cytogenetic location: 4q27.
Variant type: single nucleotide variant.
Coding change: c.1307G>C on transcript NM_005033.3 (MANE Select); coding-DNA position 1307, G replaced by C.
Protein change: p.Arg436Thr; replaces arginine 436 with threonine.
Molecular consequence: missense variant. On other transcripts: 3 prime UTR variant (1).
Genome position (GRCh38, 1-based): chr4:121,816,843, G>C. VCF-style: chr4-121816843-G-C. GRCh37 (hg19) VCF-style: chr4-122737998-G-C.
Other names: c.1358G>C, p.Arg453Thr (NM_001034194.2); c.*795C>G (NM_001237.5); short protein forms R453T, R436T.
Identifiers: ClinVar variation 2026046 (VCV002026046.4), dbSNP rs2476779529, ClinGen allele CA358047303.
Genomic context (GRCh38, chr4:121,816,843, plus strand): 5'-CCAGTGCAAAACAAGAAAAAGCACCAAGTAAAAAGCCAGTGAAAAGAAGAAAAAAGAAGA[G>C]AGCTGCCAATTAAAGCTAACAGTTGTATATCTGTATATATAACTATTAAAAGGGATATTT-3'
Protein context (NP_005024.2, residues 426-439): KKPVKRRKKK[Arg436Thr]AAN